The following is an entry in ClinVar:

ClinVar aggregate classification (germline): Uncertain significance (1 of 4 stars; one submission).

gnomAD v4.1: 1 of 1,614,060 alleles (0.000062%); highest among the groups gnomAD compares: Non-Finnish European, 0.000085%; no homozygotes.

Submission:

GeneDx
Classification: Uncertain significance. Last evaluated: 2025-05-12. Review status: criteria provided, single submitter. Criteria: GeneDx Variant Classification Process June 2021. Collection method: clinical testing. Allele origin: germline. Affected: yes.
Comment: Not observed at significant frequency in large population cohorts (gnomAD); In silico analysis supports that this missense variant has a deleterious effect on protein structure/function; Has not been previously published as pathogenic or benign to our knowledge

NM_006922.4(SCN3A):c.1637T>C (p.Leu546Pro)

Gene: SCN3A (sodium voltage-gated channel alpha subunit 3; minus strand). Cytogenetic location: 2q24.3.
Variant type: single nucleotide variant.
Coding change: c.1637T>C on transcript NM_006922.4 (MANE Select); coding-DNA position 1637, T replaced by C.
Protein change: p.Leu546Pro; replaces leucine 546 with proline.
Molecular consequence: missense variant.
Genome position (GRCh38, 1-based): chr2:165,146,773, A>G on the plus strand (T>C on the coding strand, the complement: SCN3A is on the minus strand). VCF-style: chr2-165146773-A-G. GRCh37 (hg19) VCF-style: chr2-166003283-A-G.
Other names: c.1637T>C, p.Leu546Pro (NM_001081676.2, NM_001081677.2); short protein forms L546P.
Identifiers: ClinVar variation 4529536 (VCV004529536.1).
Genomic context (GRCh38, chr2:165,146,773, plus strand): 5'-CCAGAGCACTTAGTAGAAAATCATACCTGATGAGGGGAGCAGAATTTTTTGTCACTGGTC[A>G]GTCTGTTTCCATCCATGGAGAAAAGGAAGCTGCTTCTTTTGACGCTGTCTTCAGATTCGG-3'
Protein context (NP_008853.3, residues 536-556): SFLFSMDGNR[Leu546Pro]TSDKKFCSPH